The following is an entry in ClinVar:

ClinVar aggregate classification (germline): Conflicting classifications of pathogenicity. Review status: criteria provided, conflicting classifications (1 of 4 stars). 3 submissions from 2 submitters: Likely pathogenic (1); Uncertain significance (2). Last evaluated 2024-09-06.

Conditions:
Periventricular leukomalacia (PVL). Identifiers: MedGen C0023529, MONDO:0015742, HP:0006970.
Absent speech. Also called: Absent speech development. Identifiers: MedGen C1854882, HP:0001344.
Seizure. Also called: Seizures. Identifiers: MedGen C0036572, HP:0001250.
Microcephaly. Also called: Microcephaly (disease). Identifiers: MedGen C4551563, MONDO:0001149, HP:0000252.
Severe global developmental delay. Also called: Severe psychomotor retardation. Identifiers: MedGen C1837397, HP:0011344.
Isolated cerebellar hypoplasia/agenesis (CHEGDD). Also called: Cerebellar hypoplasia/atrophy, epilepsy, and global developmental delay. Identifiers: Orphanet 1398, Orphanet 2246, MedGen C5231391, MONDO:0008939, OMIM 213000.
Intellectual disability, autosomal dominant 14 (CSS2). Also called: COFFIN-SIRIS SYNDROME 2. Identifiers: Orphanet 1465, MedGen C3553247, MONDO:0013819, OMIM 614607.

Allele frequency attached by ClinVar (database versions not stated): gnomAD exomes 0.00001.
gnomAD v4.1: 5 of 1,614,200 alleles (0.00031%); highest among the groups gnomAD compares: Non-Finnish European, 0.00042%; no homozygotes.

Submissions (3):

Labcorp Genetics (formerly Invitae), Labcorp
Classification: Uncertain significance. Last evaluated: 2024-09-06. Review status: criteria provided, single submitter. Criteria: Invitae Variant Classification Sherloc (09022015). Collection method: clinical testing. Allele origin: germline.
Comment: This sequence change replaces aspartic acid, which is acidic and polar, with glycine, which is neutral and non-polar, at codon 1697 of the ARID1A protein (p.Asp1697Gly). This variant is present in population databases (no rsID available, gnomAD 0.0009%). This variant has not been reported in the literature in individuals affected with ARID1A-related conditions. ClinVar contains an entry for this variant (Variation ID: 523488). Invitae Evidence Modeling of protein sequence and biophysical properties (such as structural, functional, and spatial information, amino acid conservation, physicochemical variation, residue mobility, and thermodynamic stability) indicates that this missense variant is expected to disrupt ARID1A protein function with a positive predictive value of 80%. In summary, the available evidence is currently insufficient to determine the role of this variant in disease. Therefore, it has been classified as a Variant of Uncertain Significance.

Centre for Mendelian Genomics, University Medical Centre Ljubljana
Classification: Uncertain significance for Intellectual disability, autosomal dominant 14. Last evaluated: 2018-12-13. Review status: criteria provided, single submitter. Criteria: ACMG Guidelines, 2015. Collection method: clinical testing. Allele origin: unknown. Affected: yes.
Comment: This variant was classified as: Uncertain significance. The available evidence on this variant's pathogenicity is insufficient or conflicting. The following ACMG criteria were applied in classifying this variant: PP3,PP5.

Centre for Mendelian Genomics, University Medical Centre Ljubljana
Classification: Likely pathogenic for Absent speech; Cerebellar hypoplasia; Microcephaly; Periventricular leukomalacia; Seizure; Severe global developmental delay. Last evaluated: 2017-01-01. Review status: criteria provided, single submitter. Criteria: ACMG Guidelines, 2015. Collection method: clinical testing. Allele origin: unknown. Affected: yes.

NM_006015.6(ARID1A):c.5090A>G (p.Asp1697Gly)

Gene: ARID1A (AT-rich interaction domain 1A; plus strand). Cytogenetic location: 1p36.11.
Variant type: single nucleotide variant.
Coding change: c.5090A>G on transcript NM_006015.6 (MANE Select); coding-DNA position 5090, A replaced by G.
Protein change: p.Asp1697Gly; replaces aspartic acid 1697 with glycine.
Molecular consequence: missense variant.
Genome position (GRCh38, 1-based): chr1:26,775,673, A>G. VCF-style: chr1-26775673-A-G. GRCh37 (hg19) VCF-style: chr1-27102164-A-G.
Other names: c.4439A>G, p.Asp1480Gly (NM_139135.4); c.5090A>G (LRG_875t1); short protein forms D1697G, D1480G.
Identifiers: ClinVar variation 523488 (VCV000523488.9), dbSNP rs375761808, ClinGen allele CA339182210.